The following is an entry in ClinVar:

NM_000051.4(ATM):c.1740_1741del (p.Leu581fs)

Gene: ATM (ATM serine/threonine kinase; plus strand). Cytogenetic location: 11q22.3.
Variant type: Microsatellite.
Coding change: c.1740_1741del on transcript NM_000051.4 (MANE Select); coding-DNA positions 1740 to 1741, 2 bases deleted (CT; older notation c.1740_1741delCT).
Protein change: p.Leu581fs; shifts the reading frame from leucine 581.
Molecular consequence: frameshift variant.
Genome position (GRCh38, 1-based): chr11:108,251,969-108,251,970, CT deleted; deleting any 2 consecutive bases within chr11:108,251,967-108,251,970 gives the same sequence; the c. name uses the placement nearest the transcript's 3' end. VCF-style (leftmost placement, unchanged base first): chr11-108251966-GCT-G. GRCh37 (hg19) VCF-style: chr11-108122693-GCT-G.
Other names: c.1740_1741del, p.Leu581fs (NM_001351834.2); c.1740_1741delCT (NM_000051.3); short protein forms L581fs.
Identifiers: ClinVar variation 429064 (VCV000429064.11), dbSNP rs1131691151, ClinGen allele CA645369497.

ClinVar aggregate classification (germline): Pathogenic. Review status: criteria provided, multiple submitters, no conflicts (2 of 4 stars). 2 submissions from 2 submitters: Pathogenic (2). Last evaluated 2025-10-27.

Conditions:
Ataxia-telangiectasia syndrome (AT). Also called: Cerebello-oculocutaneous telangiectasia; Immunodeficiency with ataxia telangiectasia; Ataxia-telangiectasia; LOUIS-BAR SYNDROME; Ataxia-telangiectasia, complementation group E; Ataxia telangiectasia (A-T). Identifiers: Orphanet 100, MedGen C0004135, MONDO:0008840, OMIM 208900.
Hereditary cancer-predisposing syndrome. Also called: Hereditary neoplastic syndrome; Tumor predisposition; Neoplastic Syndromes, Hereditary; Hereditary Cancer Syndrome. Identifiers: Orphanet 140162, MedGen C0027672, MeSH D009386, MONDO:0015356.

Submissions (2):

Labcorp Genetics (formerly Invitae), Labcorp
Classification: Pathogenic for Ataxia-telangiectasia syndrome. Last evaluated: 2025-10-27. Review status: criteria provided, single submitter. Criteria: Invitae Variant Classification Sherloc (09022015). Collection method: clinical testing. Allele origin: germline.
Comment: This sequence change creates a premature translational stop signal (p.Leu581Ilefs*7) in the ATM gene. It is expected to result in an absent or disrupted protein product. Loss-of-function variants in ATM are known to be pathogenic (PMID: 23807571, 25614872). This variant is not present in population databases (gnomAD no frequency). This variant has not been reported in the literature in individuals affected with ATM-related conditions. ClinVar contains an entry for this variant (Variation ID: 429064). Algorithms developed to predict the effect of sequence changes on RNA splicing suggest that this variant may disrupt the consensus splice site. For these reasons, this variant has been classified as Pathogenic.

Ambry Genetics
Classification: Pathogenic for Hereditary cancer-predisposing syndrome. Last evaluated: 2013-07-30. Review status: criteria provided, single submitter. Criteria: Ambry Autosomal Dominant and X-Linked criteria (10/2015). Collection method: clinical testing. Allele origin: germline. Observed: 1 variant allele.
Comment: This alteration is expected to result in loss of function by premature protein truncation or nonsense-mediatedâ€¯mRNAâ€¯decay.â€¯As such, this alteration is interpreted as a disease-causing mutation.

Literature cited by the submitters: PubMed 23807571 (cited by Labcorp Genetics (formerly Invitae), Labcorp); PubMed 25614872 (cited by Labcorp Genetics (formerly Invitae), Labcorp).